The following is an entry in ClinVar:

ClinVar aggregate classification (germline): Uncertain significance (1 of 4 stars; one submission).

Conditions:
Hereditary cancer-predisposing syndrome. Also called: Neoplastic Syndromes, Hereditary; Tumor predisposition; Hereditary Cancer Syndrome; Hereditary neoplastic syndrome. Identifiers: Orphanet 140162, MedGen C0027672, MeSH D009386, MONDO:0015356.

Submission:

Ambry Genetics
Classification: Uncertain significance for Hereditary cancer-predisposing syndrome. Last evaluated: 2025-12-07. Review status: criteria provided, single submitter. Criteria: Ambry Variant Classification Scheme 2023. Collection method: clinical testing. Allele origin: germline.
Comment: The p.Q1749K variant (also known as c.5245C>A), located in coding exon 15 of the APC gene, results from a C to A substitution at nucleotide position 5245. The glutamine at codon 1749 is replaced by lysine, an amino acid with similar properties. This amino acid position is conserved. In addition, in silico predictors for this gene do not accurately predict pathogenicity. Based on the available evidence, the clinical significance of this variant remains unclear.

NM_000038.6(APC):c.5245C>A (p.Gln1749Lys)

Gene: APC (APC regulator of Wnt signaling pathway; plus strand). Cytogenetic location: 5q22.2.
Variant type: single nucleotide variant.
Coding change: c.5245C>A on transcript NM_000038.6 (MANE Select); coding-DNA position 5245, C replaced by A.
Protein change: p.Gln1749Lys; replaces glutamine 1749 with lysine.
Molecular consequence: missense variant. On other transcripts: non-coding transcript variant (2).
Genome position (GRCh38, 1-based): chr5:112,840,839, C>A. VCF-style: chr5-112840839-C-A. GRCh37 (hg19) VCF-style: chr5-112176536-C-A.
Other names: c.5161C>A, p.Gln1721Lys (NM_001354899.2); c.5122C>A, p.Gln1708Lys (NM_001354900.2); c.5068C>A, p.Gln1690Lys (NM_001354901.2, NM_001407453.1); c.4972C>A, p.Gln1658Lys (NM_001354902.2); c.4942C>A, p.Gln1648Lys (NM_001354903.2, NM_001407458.1, NM_001407459.1 and 1 more transcripts); c.5245C>A, p.Gln1749Lys (NM_001127510.3, NM_001354895.2, NM_001407450.1); c.5191C>A, p.Gln1731Lys (NM_001127511.3); c.5299C>A, p.Gln1767Lys (NM_001354896.2, NM_001407447.1, NM_001407448.1 and 1 more transcripts); and 11 more; short protein forms Q1724K, Q1739K, Q1759K, Q1365K, Q1589K, Q1777K, Q1620K, Q1623K.
Identifiers: ClinVar variation 4595055 (VCV004595055.1).